The following is an entry in ClinVar:

NM_000548.5(TSC2):c.*4C>G

Gene: TSC2 (TSC complex subunit 2; plus strand). Cytogenetic location: 16p13.3.
Variant type: single nucleotide variant.
Coding change: c.*4C>G on transcript NM_000548.5 (MANE Select); 4 bases downstream of the stop codon, C replaced by G.
Molecular consequence: 3 prime UTR variant. On other transcripts: non-coding transcript variant (5).
Genome position (GRCh38, 1-based): chr16:2,088,614, C>G. VCF-style: chr16-2088614-C-G. GRCh37 (hg19) VCF-style: chr16-2138615-C-G.
Other names: c.*4C>G (NM_001077183.3, NM_001114382.3, NM_001318827.2 and 39 more transcripts).
Identifiers: ClinVar variation 4071452 (VCV004071452.2).
Genomic context (GRCh38, chr16:2,088,614, plus strand): 5'-GTGGGCCAGCGGAAGCGCCTCATCTCCTCGGTGGAGGACTTCACCGAGTTTGTGTGAGGC[C>G]GGGGCCCTCCCTCCTGCACTGGCCTTGGACGGTATTGCCTGTCAGTGAAATAAATAAAGT-3'

ClinVar aggregate classification (germline): Benign/Likely benign. Review status: criteria provided, multiple submitters, no conflicts (2 of 4 stars). 2 submissions from 2 submitters: Benign (1); Likely benign (1). Last evaluated 2025-09-16.

Conditions:
Tuberous sclerosis syndrome (TSC). Also called: Tuberous Sclerosis Complex; Tuberous sclerosis. Identifiers: Orphanet 805, MedGen C0041341, MONDO:0001734.
Tuberous sclerosis 2 (TSC2). Identifiers: Orphanet 805, MedGen C1860707, MONDO:0013199, OMIM 613254.

gnomAD v4.1: 2 of 1,600,326 alleles (0.00012%); highest among the groups gnomAD compares: South Asian, 0.0011%; no homozygotes.

Submissions (2):

Color Diagnostics, LLC DBA Color Health
Classification: Likely benign for Tuberous sclerosis syndrome. Last evaluated: 2025-09-16. Review status: criteria provided, single submitter. Criteria: ACMG Guidelines, 2015. Collection method: clinical testing. Allele origin: germline.

Myriad Genetics, Inc.
Classification: Benign for Tuberous sclerosis 2. Last evaluated: 2025-06-09. Review status: criteria provided, single submitter. Criteria: Myriad Autosomal Dominant, Autosomal Recessive and X-Linked Classification Criteria (2023). Collection method: clinical testing. Allele origin: unknown.
Comment: This variant is considered benign. This variant occurs in the non-coding 3' untranslated region of the gene, and is not expected to impact protein function.